The following is an entry in ClinVar:

ClinVar aggregate classification (germline): Uncertain significance (1 of 4 stars; one submission).

Conditions:
Familial adenomatous polyposis 1 (FAP1). Also called: FAMILIAL ADENOMATOUS POLYPOSIS 1, ATTENUATED; POLYPOSIS, ADENOMATOUS INTESTINAL. Identifiers: MedGen C2713442, MONDO:0021056, OMIM 175100. Disease mechanism: loss of function.

Submission:

Labcorp Genetics (formerly Invitae), Labcorp
Classification: Uncertain significance for Familial adenomatous polyposis 1. Last evaluated: 2023-03-13. Review status: criteria provided, single submitter. Criteria: Invitae Variant Classification Sherloc (09022015). Collection method: clinical testing. Allele origin: germline.
Comment: Advanced modeling of protein sequence and biophysical properties (such as structural, functional, and spatial information, amino acid conservation, physicochemical variation, residue mobility, and thermodynamic stability) performed at Invitae indicates that this missense variant is not expected to disrupt APC protein function. This variant has not been reported in the literature in individuals affected with APC-related conditions. This variant is not present in population databases (gnomAD no frequency). This sequence change replaces glutamic acid, which is acidic and polar, with glutamine, which is neutral and polar, at codon 1544 of the APC protein (p.Glu1544Gln). In summary, the available evidence is currently insufficient to determine the role of this variant in disease. Therefore, it has been classified as a Variant of Uncertain Significance.

NM_000038.6(APC):c.4630G>C (p.Glu1544Gln)

Gene: APC (APC regulator of Wnt signaling pathway; plus strand). Cytogenetic location: 5q22.2.
Variant type: single nucleotide variant.
Coding change: c.4630G>C on transcript NM_000038.6 (MANE Select); coding-DNA position 4630, G replaced by C.
Protein change: p.Glu1544Gln; replaces glutamic acid 1544 with glutamine.
Molecular consequence: missense variant. On other transcripts: non-coding transcript variant (2).
Genome position (GRCh38, 1-based): chr5:112,840,224, G>C. VCF-style: chr5-112840224-G-C. GRCh37 (hg19) VCF-style: chr5-112175921-G-C.
Other names: c.4630G>C, p.Glu1544Gln (NM_001127510.3, NM_001354895.2, NM_001407450.1); c.4576G>C, p.Glu1526Gln (NM_001127511.3); c.4684G>C, p.Glu1562Gln (NM_001354896.2, NM_001407447.1, NM_001407448.1 and 1 more transcripts); c.4660G>C, p.Glu1554Gln (NM_001354897.2); c.4555G>C, p.Glu1519Gln (NM_001354898.2); c.4546G>C, p.Glu1516Gln (NM_001354899.2); c.4507G>C, p.Glu1503Gln (NM_001354900.2); c.4453G>C, p.Glu1485Gln (NM_001354901.2, NM_001407453.1); and 11 more; short protein forms E1261Q, E1415Q, E1453Q, E1461Q, E1503Q, E1537Q, E1384Q, E1485Q.
Identifiers: ClinVar variation 3005463 (VCV003005463.3), dbSNP rs2149919503, ClinGen allele CA16031475.
Genomic context (GRCh38, chr5:112,840,224, plus strand): 5'-ATAATGCCTCCAGTTCAGGAAAATGACAATGGGAATGAAACAGAATCAGAGCAGCCTAAA[G>C]AATCAAATGAAAACCAAGAGAAAGAGGCAGAAAAAACTATTGATTCTGAAAAGGACCTAT-3'
Protein context (NP_000029.2, residues 1534-1554): GNETESEQPK[Glu1544Gln]SNENQEKEAE